The following is an entry in ClinVar:

ClinVar aggregate classification (germline): Pathogenic (1 of 4 stars; one submission).

Conditions:
Mucopolysaccharidosis, MPS-II (MPS2). Also called: Hunter Syndrome; IDURONATE 2-SULFATASE DEFICIENCY; Mucopolysaccharidosis Type II; Mucopolysaccharidosis type 2; Attenuated MPS (subtype; formerly known as mild MPS II); Severe MPS II. Identifiers: Orphanet 580, Orphanet 79388, MedGen C0026705, MONDO:0010674, OMIM 309900.

Submission:

Laboratory of Diagnosis and Therapy of Lysosomal Disorders, University of Padova
Classification: Pathogenic for Mucopolysaccharidosis, MPS-II. Last evaluated: 2024-06-07. Review status: criteria provided, single submitter. Criteria: ACMG Guidelines, 2015. Collection method: literature only. Allele origin: germline. Affected: yes. Observed: 1 variant allele.
Comment: Null variant (PVS1_VeryStrong), Absent from controls (or at low frequency) in gnomAD database (PM2_Moderate), Patient’s phenotype or family history highly specific for the disease (PP4_Strong)

Classification method: ACMG Guidelines [PMID:25741868] with modifications

Literature cited by the submitters: PubMed 7728156.

NM_000202.8(IDS):c.288del (p.Arg96fs)

Gene: IDS (iduronate 2-sulfatase; minus strand). Cytogenetic location: Xq28.
Variant type: Deletion.
Coding change: c.288del on transcript NM_000202.8 (MANE Select); coding-DNA position 288, one base deleted (A; older notation c.288delA).
Protein change: p.Arg96fs; shifts the reading frame from arginine 96.
Molecular consequence: frameshift variant. On other transcripts: non-coding transcript variant (1).
Genome position (GRCh38, 1-based): chrX:149,503,442, T deleted on the plus strand (A on the coding strand, the reverse complement: IDS is on the minus strand). VCF-style (leftmost placement, unchanged base first): chrX-149503441-GT-G. GRCh37 (hg19) VCF-style: chrX-148584971-GT-G.
Other names: c.18del, p.Arg6fs (NM_001166550.4); c.288del, p.Arg96fs (NM_006123.5); short protein forms R6fs, R96fs.
Identifiers: ClinVar variation 3255657 (VCV003255657.2).
Genomic context (GRCh38, chrX:149,503,441, plus strand): 5'-AGAAGTTTCCAGCGTGCACCCTCCAGTAGGAGTTGAAGTCGTACAGGCGGGTGGTGTCAG[GT>G]CTCCTGCCAGTGAGGAAAGAAACGCGGCTCGGGGCGCACACTGCTTGCTGTTAGGGAGCA-3'